The following is an entry in ClinVar:

NM_003896.4(ST3GAL5):c.1106G>A (p.Arg369Lys)

Gene: ST3GAL5 (ST3 beta-galactoside alpha-2,3-sialyltransferase 5; minus strand). Cytogenetic location: 2p11.2.
Variant type: single nucleotide variant.
Coding change: c.1106G>A on transcript NM_003896.4 (MANE Select); coding-DNA position 1106, G replaced by A.
Protein change: p.Arg369Lys; replaces arginine 369 with lysine.
Molecular consequence: missense variant.
Genome position (GRCh38, 1-based): chr2:85,840,295, C>T on the plus strand (G>A on the coding strand, the complement: ST3GAL5 is on the minus strand). VCF-style: chr2-85840295-C-T. GRCh37 (hg19) VCF-style: chr2-86067418-C-T.
Other names: c.1037G>A, p.Arg346Lys (NM_001042437.2); c.722G>A, p.Arg241Lys (NM_001354223.2, NM_001354224.2, NM_001354226.2 and 3 more transcripts); c.947G>A, p.Arg316Lys (NM_001363847.1); c.1022G>A, p.Arg341Lys (NM_001354227.2, NM_001354229.2, NM_001354238.1); c.383G>A, p.Arg128Lys (NM_001354247.1); short protein forms R128K, R316K, R346K, R369K, R241K, R341K.
Identifiers: ClinVar variation 4632325 (VCV004632325.2).

ClinVar aggregate classification (germline): Conflicting classifications of pathogenicity. Review status: criteria provided, conflicting classifications (1 of 4 stars). 2 submissions from 2 submitters: Uncertain significance (1); Likely benign (1). Last evaluated 2026-02-02.

Conditions:
Inborn genetic diseases. Identifiers: MedGen C0950123, MeSH D030342.
GM3 synthase deficiency (SPDRS). Also called: AMISH INFANTILE EPILEPSY SYNDROME; SALT AND PEPPER MENTAL RETARDATION SYNDROME; SALT AND PEPPER DEVELOPMENTAL REGRESSION SYNDROME. Identifiers: Orphanet 171714, Orphanet 370933, MedGen C1836824, MONDO:0018274, OMIM 609056.

gnomAD v4.1: 1 of 1,614,110 alleles (0.000062%); highest among the groups gnomAD compares: Non-Finnish European, 0.000085%; no homozygotes.

Submissions (2):

Labcorp Genetics (formerly Invitae), Labcorp
Classification: Uncertain significance for GM3 synthase deficiency. Last evaluated: 2026-02-02. Review status: criteria provided, single submitter. Criteria: Invitae Variant Classification Sherloc (09022015). Collection method: clinical testing. Allele origin: germline.
Comment: This sequence change replaces arginine, which is basic and polar, with lysine, which is basic and polar, at codon 369 of the ST3GAL5 protein (p.Arg369Lys). This variant is not present in population databases (gnomAD no frequency). This variant has not been reported in the literature in individuals affected with ST3GAL5-related conditions. Invitae Evidence Modeling of protein sequence and biophysical properties (such as structural, functional, and spatial information, amino acid conservation, physicochemical variation, residue mobility, and thermodynamic stability) indicates that this missense variant is not expected to disrupt ST3GAL5 protein function with a negative predictive value of 95%. In summary, the available evidence is currently insufficient to determine the role of this variant in disease. Therefore, it has been classified as a Variant of Uncertain Significance.

Ambry Genetics
Classification: Likely benign for Inborn genetic diseases. Last evaluated: 2025-11-05. Review status: criteria provided, single submitter. Criteria: Ambry Variant Classification Scheme 2023. Collection method: clinical testing. Allele origin: germline.